The following is an entry in ClinVar:

ClinVar aggregate classification (germline): Conflicting classifications of pathogenicity. Review status: criteria provided, conflicting classifications (1 of 4 stars). 3 submissions from 3 submitters: Uncertain significance (1); Likely benign (1). 1 of the submissions does not count toward it. Last evaluated 2025-03-16.

Conditions:
Nephronophthisis 16 (NPHP16). Identifiers: Orphanet 655, MedGen C3809320, MONDO:0014158, OMIM 615382.
ANKS6-related disorder. Also called: ANKS6-related condition.
Inborn genetic diseases. Identifiers: MedGen C0950123, MeSH D030342.

Allele frequency attached by ClinVar (database versions not stated): TOPMed 0.00012; ExAC 0.00030; gnomAD 0.00005.
gnomAD v4.1: 103 of 1,605,596 alleles (0.0064%); highest among the groups gnomAD compares: East Asian, 0.078%; no homozygotes.

Submissions (3):

Labcorp Genetics (formerly Invitae), Labcorp
Classification: Likely benign for Nephronophthisis 16. Last evaluated: 2025-03-16. Review status: criteria provided, single submitter. Criteria: Invitae Variant Classification Sherloc (09022015). Collection method: clinical testing. Allele origin: germline.

Ambry Genetics
Classification: Uncertain significance for Inborn genetic diseases. Last evaluated: 2024-03-18. Review status: criteria provided, single submitter. Criteria: Ambry Variant Classification Scheme 2023. Collection method: clinical testing. Allele origin: germline.

PreventionGenetics, part of Exact Sciences
Classification: Likely benign for ANKS6-related condition. Last evaluated: 2024-09-16. Review status: no assertion criteria provided. Collection method: clinical testing. Allele origin: germline. Not counted in ClinVar's aggregate classification.
Comment: This variant is classified as likely benign based on ACMG/AMP sequence variant interpretation guidelines (Richards et al. 2015 PMID: 25741868, with internal and published modifications).

NM_173551.5(ANKS6):c.665G>A (p.Arg222Gln)

Gene: ANKS6 (ankyrin repeat and sterile alpha motif domain containing 6; minus strand). Cytogenetic location: 9q22.33.
Variant type: single nucleotide variant.
Coding change: c.665G>A on transcript NM_173551.5 (MANE Select); coding-DNA position 665, G replaced by A.
Protein change: p.Arg222Gln; replaces arginine 222 with glutamine.
Molecular consequence: missense variant.
Genome position (GRCh38, 1-based): chr9:98,790,301, C>T on the plus strand (G>A on the coding strand, the complement: ANKS6 is on the minus strand). VCF-style: chr9-98790301-C-T. GRCh37 (hg19) VCF-style: chr9-101552583-C-T.
Other names: c.665G>A (NM_173551.3, NM_173551.4); short protein forms R222Q.
Identifiers: ClinVar variation 2752092 (VCV002752092.5), dbSNP rs751509404, ClinGen allele CA5153787.